The following is an entry in ClinVar:

NM_021012.5(KCNJ12):c.415G>A (p.Glu139Lys)

Gene: KCNJ12 (potassium inwardly rectifying channel subfamily J member 12; plus strand). Cytogenetic location: 17p11.2.
Variant type: single nucleotide variant.
Coding change: c.415G>A on transcript NM_021012.5 (MANE Select); coding-DNA position 415, G replaced by A.
Protein change: p.Glu139Lys; replaces glutamic acid 139 with lysine.
Molecular consequence: missense variant.
Genome position (GRCh38, 1-based): chr17:21,415,757, G>A. VCF-style: chr17-21415757-G-A. GRCh37 (hg19) VCF-style: chr17-21319069-G-A.
Other names: short protein forms E139K.
Identifiers: ClinVar variation 3059260 (VCV003059260.2), dbSNP rs76265595, ClinGen allele CA8451119.

ClinVar aggregate classification (germline): Benign (0 of 4 stars; one submission).

Conditions:
KCNJ12-related disorder. Also called: KCNJ12-related condition.

Allele frequency attached by ClinVar (database versions not stated): ExAC 0.48980.

Submission:

PreventionGenetics, part of Exact Sciences
Classification: Benign for KCNJ12-related condition. Last evaluated: 2019-10-17. Review status: no assertion criteria provided. Collection method: clinical testing. Allele origin: germline.
Comment: This variant is classified as benign based on ACMG/AMP sequence variant interpretation guidelines (Richards et al. 2015 PMID: 25741868, with internal and published modifications).